The following is an entry in ClinVar:

NM_018063.5(HELLS):c.2077G>T (p.Asp693Tyr)

Gene: HELLS (helicase, lymphoid specific; plus strand). Cytogenetic location: 10q23.33.
Variant type: single nucleotide variant.
Coding change: c.2077G>T on transcript NM_018063.5 (MANE Select); coding-DNA position 2077, G replaced by T.
Protein change: p.Asp693Tyr; replaces aspartic acid 693 with tyrosine.
Molecular consequence: missense variant.
Genome position (GRCh38, 1-based): chr10:94,593,604, G>T. VCF-style: chr10-94593604-G-T. GRCh37 (hg19) VCF-style: chr10-96353361-G-T.
Other names: c.2215G>T, p.Asp739Tyr (NM_001289067.2); c.2029G>T, p.Asp677Tyr (NM_001289068.2); c.1981G>T, p.Asp661Tyr (NM_001289069.2); c.1783G>T, p.Asp595Tyr (NM_001289070.2); c.1705G>T, p.Asp569Tyr (NM_001289071.2); c.1687G>T, p.Asp563Tyr (NM_001289072.2); c.1663G>T, p.Asp555Tyr (NM_001289073.2); c.994G>T, p.Asp332Tyr (NM_001289074.2); and 1 more; short protein forms D287Y, D332Y, D555Y, D563Y, D569Y, D595Y, D661Y, D677Y.
Identifiers: ClinVar variation 998163 (VCV000998163.3), dbSNP rs1845596397, ClinGen allele CA377667640.
Genomic context (GRCh38, chr10:94,593,604, plus strand): 5'-AGTACACGAGCTGGTGGCCTGGGCATTAATCTGACTGCAGCAGATACAGTTATCATTTAT[G>T]ATAGTGATTGGGTAAGTTGGAAGTATAGCAAGGAATATGCTGATTATATTTCCATTTTGA-3'
Protein context (NP_060533.2, residues 683-703): LTAADTVIIY[Asp693Tyr]SDWNPQSDLQ

ClinVar aggregate classification (germline): Uncertain significance (1 of 4 stars; one submission).

Conditions:
Immunodeficiency-centromeric instability-facial anomalies syndrome 4 (ICF4). Identifiers: Orphanet 2268, MedGen C4310798, MONDO:0014829, OMIM 616911.

Submission:

Breda Genetics srl
Classification: Uncertain significance for Immunodeficiency-centromeric instability-facial anomalies syndrome 4. Last evaluated: 2021-01-12. Review status: criteria provided, single submitter. Criteria: ACMG Guidelines, 2015. Collection method: clinical testing. Allele origin: germline. Inheritance: Autosomal recessive inheritance. Affected: yes. Observed: 1 variant allele, 1 homozygote.
Comment: The variant c.2077G>T (p.Asp693Tyr) in the HELLS gene has not been reported in dbSNP, gnomAD, 1000 Genomes Project or ClinVar. The nucleotide position is highly conserved across 35 mammalian species (GERP RS: 5.78). In silico analysis indicates that the variant might be damaging. Based on ACMG variant interpretation guidelines, we classify this variant as uncertain. However, on the basis of the aforementioned evidence, there is a given likelihood that the variant may actually be pathogenic, even if we cannot exclude that it is a rare benign variant.